The following is an entry in ClinVar:

ClinVar aggregate classification (germline): Benign. Review status: criteria provided, multiple submitters, no conflicts (2 of 4 stars). 6 submissions from 6 submitters: Benign (6). Last evaluated 2026-02-02.

Conditions:
Microcephalic osteodysplastic primordial dwarfism type II (MOPD2). Also called: Microcephalic osteodysplastic primordial dwarfism with tooth abnormalities; MOPD II; OSTEODYSPLASTIC PRIMORDIAL DWARFISM, TYPE II. Identifiers: Orphanet 2637, MedGen C0432246, MONDO:0008872, OMIM 210720.

Allele frequency attached by ClinVar (database versions not stated): gnomAD exomes 0.00141 and 0.00378; ExAC 0.00580; ESP Exome Variant Server 0.01293; gnomAD 0.01461 and 0.01545; TOPMed 0.01656; 1000 Genomes Project 0.01917; 1000 Genomes Project 30x 0.01983.
gnomAD v4.1: 4,327 of 1,579,220 alleles (0.27%); highest among the groups gnomAD compares: African/African-American, 5%; 91 homozygotes.

Submissions (6):

Labcorp Genetics (formerly Invitae), Labcorp
Classification: Benign. Last evaluated: 2026-02-02. Review status: criteria provided, single submitter. Criteria: Invitae Variant Classification Sherloc (09022015). Collection method: clinical testing. Allele origin: germline.

ARUP Laboratories, Molecular Genetics and Genomics, ARUP Laboratories
Classification: Benign for Microcephalic osteodysplastic primordial dwarfism type II. Last evaluated: 2025-06-20. Review status: criteria provided, single submitter. Criteria: ARUP Molecular Germline Variant Investigation Process 2024. Collection method: clinical testing. Allele origin: germline.

Illumina Laboratory Services, Illumina
Classification: Benign for Microcephalic osteodysplastic primordial dwarfism type II. Last evaluated: 2018-01-12. Review status: criteria provided, single submitter. Criteria: ICSL Variant Classification Criteria 13 December 2019. Collection method: clinical testing. Allele origin: germline.
Comment: This variant was observed in the ICSL laboratory as part of a predisposition screen in an ostensibly healthy population. It had not been previously curated by ICSL or reported in the Human Gene Mutation Database (HGMD: prior to June 1st, 2018), and was therefore a candidate for classification through an automated scoring system. Utilizing variant allele frequency, disease prevalence and penetrance estimates, and inheritance mode, an automated score was calculated to assess if this variant is too frequent to cause the disease. Based on the score and internal cut-off values, a variant classified as benign is not then subjected to further curation. The score for this variant resulted in a classification of benign for this disease.

GeneDx
Classification: Benign. Last evaluated: 2015-03-03. Review status: criteria provided, single submitter. Criteria: GeneDx Variant Classification Process June 2021. Collection method: clinical testing. Allele origin: germline. Affected: yes.

Genetic Services Laboratory, University of Chicago
Classification: Benign. Last evaluated: 2013-02-08. Review status: criteria provided, single submitter. Criteria: ACMG Guidelines, 2007. Collection method: clinical testing. Allele origin: germline. Inheritance: Autosomal recessive inheritance.

Breakthrough Genomics
Classification: Benign. Review status: criteria provided, single submitter. Criteria: ACMG Guidelines, 2015. Collection method: not provided. Allele origin: germline. Inheritance: Autosomal recessive inheritance. Affected: yes.

NM_006031.6(PCNT):c.5742G>A (p.Ala1914=)

Gene: PCNT (pericentrin; plus strand). Cytogenetic location: 21q22.3.
Variant type: single nucleotide variant.
Coding change: c.5742G>A on transcript NM_006031.6 (MANE Select); coding-DNA position 5742, G replaced by A.
Protein change: p.Ala1914=; no amino-acid change (alanine 1914 retained).
Molecular consequence: synonymous variant.
Genome position (GRCh38, 1-based): chr21:46,411,815, G>A. VCF-style: chr21-46411815-G-A. GRCh37 (hg19) VCF-style: chr21-47831729-G-A.
Other names: c.5388G>A, p.Ala1796= (NM_001315529.2).
Identifiers: ClinVar variation 159624 (VCV000159624.28), dbSNP rs61735810, ClinGen allele CA173032.